The following is an entry in ClinVar:

ClinVar aggregate classification (germline): Uncertain significance (1 of 4 stars; one submission).

Conditions:
Cohen syndrome (COH1). Also called: PEPPER SYNDROME; Cutis verticis gyrata, retinitis pigmentosa, and sensorineural deafness. Identifiers: Orphanet 193, MedGen C0265223, MONDO:0008999, OMIM 216550.

Submission:

Labcorp Genetics (formerly Invitae), Labcorp
Classification: Uncertain significance for Cohen syndrome. Last evaluated: 2022-08-03. Review status: criteria provided, single submitter. Criteria: Invitae Variant Classification Sherloc (09022015). Collection method: clinical testing. Allele origin: germline.
Comment: In summary, the available evidence is currently insufficient to determine the role of this variant in disease. Therefore, it has been classified as a Variant of Uncertain Significance. Algorithms developed to predict the effect of missense changes on protein structure and function are either unavailable or do not agree on the potential impact of this missense change (SIFT: "Not Available"; PolyPhen-2: "Benign"; Align-GVGD: "Not Available"). This variant has not been reported in the literature in individuals affected with VPS13B-related conditions. This variant is not present in population databases (gnomAD no frequency). This sequence change replaces serine, which is neutral and polar, with isoleucine, which is neutral and non-polar, at codon 111 of the VPS13B protein (p.Ser111Ile).

NM_152564.5(VPS13B):c.332G>T (p.Ser111Ile)

Gene: VPS13B (vacuolar protein sorting 13 homolog B; plus strand). Cytogenetic location: 8q22.2.
Variant type: single nucleotide variant.
Coding change: c.332G>T on transcript NM_152564.5 (MANE Select); coding-DNA position 332, G replaced by T.
Protein change: p.Ser111Ile; replaces serine 111 with isoleucine.
Molecular consequence: missense variant. On other transcripts: non-coding transcript variant (1).
Genome position (GRCh38, 1-based): chr8:99,096,352, G>T. VCF-style: chr8-99096352-G-T. GRCh37 (hg19) VCF-style: chr8-100108580-G-T.
Other names: c.332G>T, p.Ser111Ile (NM_015243.3, NM_017890.5, NM_181661.3); short protein forms S111I.
Identifiers: ClinVar variation 2422491 (VCV002422491.6), dbSNP rs1846417432, ClinGen allele CA371858091.